The following is an entry in ClinVar:

ClinVar aggregate classification (germline): Conflicting classifications of pathogenicity. Review status: criteria provided, conflicting classifications (1 of 4 stars). 3 submissions from 3 submitters: Pathogenic (1); Uncertain significance (2). Last evaluated 2025-06-24.

Conditions:
Arrhythmogenic right ventricular cardiomyopathy (ARVD). Also called: Arrhythmogenic cardiomyopathy; Arrhythmogenic Right Ventricular Cardiomyopathy (ARVC); Cardiomyopathy, ARVC; Arrhythmogenic right ventricular dysplasia. Identifiers: Orphanet 247, MedGen C0349788, MeSH D019571, MONDO:0016587. Disease mechanism: loss of function. Inheritance: Various modes of inheritance.
Cardiomyopathy (CMYO). Also called: Cardiomyopathies. Identifiers: Orphanet 167848, MedGen C0878544, MONDO:0004994, HP:0001638. Inheritance: Various modes of inheritance.
Arrhythmogenic right ventricular dysplasia 10. Also called: Arrhythmogenic right ventricular dysplasia/cardiomyopathy, type 10; Arrhythmogenic Right Ventricular Dysplasia/Cardiomyopathy10; ARRHYTHMOGENIC RIGHT VENTRICULAR DYSPLASIA, FAMILIAL, 10. Identifiers: MedGen C1857777, MONDO:0012434, OMIM 610193.

Allele frequency attached by ClinVar (database versions not stated): gnomAD exomes below 0.00001; TOPMed below 0.00001; gnomAD 0.00001.

Submissions (3):

Color Diagnostics, LLC DBA Color Health
Classification: Uncertain significance for Cardiomyopathy. Last evaluated: 2025-06-24. Review status: criteria provided, single submitter. Criteria: ACMG Guidelines, 2015. Collection method: clinical testing. Allele origin: germline.
Comment: This variant changes 1 nucleotide in exon 12 of the DSG2 gene, creating a premature translation stop signal. This variant is expected to result in an absent or non-functional protein product. This variant has been reported in an individual affected with arrhythmogenic right ventricular cardiomyopathy (PMID: 31386562) and in an individual suspected to be affected with cardiomyopathy or arrhythmia (PMID: 35947370). This variant has not been identified in the general population by the Genome Aggregation Database (gnomAD). Clinical relevance of loss-of-function DSG2 truncation variants in autosomal dominant cardiovascular disorders is not clearly established. The available evidence is insufficient to determine the role of this variant in disease conclusively. Therefore, this variant is classified as a Variant of Uncertain Significance.

All of Us Research Program, National Institutes of Health
Classification: Uncertain significance for Arrhythmogenic right ventricular cardiomyopathy. Last evaluated: 2024-07-20. Review status: criteria provided, single submitter. Criteria: ACMG Guidelines, 2015. Collection method: clinical testing. Allele origin: germline. Inheritance: Autosomal dominant inheritance. Observed: 2 variant alleles, 2 heterozygotes.
Comment: This variant changes 1 nucleotide in exon 12 of the DSG2 gene, creating a premature translation stop signal. This variant is expected to result in an absent or non-functional protein product. This variant has been reported in an individual affected with arrhythmogenic right ventricular cardiomyopathy (PMID: 31386562). This variant has not been identified in the general population by the Genome Aggregation Database (gnomAD). Although there is a suspicion for a pathogenic role, clinical significance of loss-of-function DSG2 variants in autosomal dominant arrhythmogenic cardiomyopathy is not yet clearly established. The available evidence is insufficient to determine the role of this variant in disease conclusively. Therefore, this variant is classified as a Variant of Uncertain Significance.

This study involves interpretation of variants in research participants for the purpose of population health screening. Participant phenotype was not available at the time of variant classification. Additional details can be found in publication PMID: 35346344, PMCID: PMC8962531

Labcorp Genetics (formerly Invitae), Labcorp
Classification: Pathogenic for Arrhythmogenic right ventricular dysplasia 10. Last evaluated: 2024-04-22. Review status: criteria provided, single submitter. Criteria: Invitae Variant Classification Sherloc (09022015). Collection method: clinical testing. Allele origin: germline.
Comment: This sequence change creates a premature translational stop signal (p.Gln584*) in the DSG2 gene. It is expected to result in an absent or disrupted protein product. Loss-of-function variants in DSG2 are known to be pathogenic (PMID: 17105751, 31386562). This variant is not present in population databases (gnomAD no frequency). This variant has not been reported in the literature in individuals affected with DSG2-related conditions. ClinVar contains an entry for this variant (Variation ID: 199810). Algorithms developed to predict the effect of sequence changes on RNA splicing suggest that this variant may disrupt the consensus splice site. For these reasons, this variant has been classified as Pathogenic.

Literature cited by the submitters: PubMed 31386562 (cited by 3 submitters); PubMed 35947370 (cited by Color Diagnostics, LLC DBA Color Health); PubMed 17105751 (cited by Labcorp Genetics (formerly Invitae), Labcorp).

NM_001943.5(DSG2):c.1750C>T (p.Gln584Ter)

Gene: DSG2 (desmoglein 2; plus strand). Cytogenetic location: 18q12.1.
Variant type: single nucleotide variant.
Coding change: c.1750C>T on transcript NM_001943.5 (MANE Select); coding-DNA position 1750, C replaced by T.
Protein change: p.Gln584Ter; replaces glutamine 584 with a stop codon.
Molecular consequence: nonsense.
Genome position (GRCh38, 1-based): chr18:31,538,849, C>T. VCF-style: chr18-31538849-C-T. GRCh37 (hg19) VCF-style: chr18-29118812-C-T.
Other names: c.1750C>T (LRG_397t1); short protein forms Q584*.
Identifiers: ClinVar variation 199810 (VCV000199810.10), dbSNP rs794728086, ClinGen allele CA021541.